The following is an entry in ClinVar:

ClinVar aggregate classification (germline): Pathogenic. Review status: criteria provided, multiple submitters, no conflicts (2 of 4 stars). 2 submissions from 2 submitters: Pathogenic (2). Last evaluated 2025-05-01.

Conditions:
GLRA1-related disorder. Also called: GLRA1-related condition.
Hereditary hyperekplexia. Identifiers: Orphanet 3197, MedGen C4084968, MONDO:0021022.

Submissions (2):

Labcorp Genetics (formerly Invitae), Labcorp
Classification: Pathogenic for Hereditary hyperekplexia. Last evaluated: 2025-05-01. Review status: criteria provided, single submitter. Criteria: Invitae Variant Classification Sherloc (09022015). Collection method: clinical testing. Allele origin: germline.
Comment: This sequence change creates a premature translational stop signal (p.Leu212Alafs*22) in the GLRA1 gene. It is expected to result in an absent or disrupted protein product. Loss-of-function variants in GLRA1 are known to be pathogenic (PMID: 20631190, 24108130). This variant is present in population databases (rs765708068, gnomAD 0.01%). This premature translational stop signal has been observed in individuals with autosomal recessive hyperekplexia (PMID: 20631190). This variant is also known as delta931-932CT (L184fs21X). For these reasons, this variant has been classified as Pathogenic.

PreventionGenetics, part of Exact Sciences
Classification: Pathogenic for GLRA1-related condition. Last evaluated: 2024-10-25. Review status: criteria provided, single submitter. Criteria: ACMG Guidelines, 2015. Collection method: clinical testing. Allele origin: germline.
Comment: The GLRA1 c.634_635delCT variant is predicted to result in a frameshift and premature protein termination (p.Leu212Alafs*22). This variant has been reported in in the homozygous state or compound heterozygous state in two individuals with hyperekplexia (referred to as Δ931-932CT in Chung et al. 2010. PubMed ID: 20631190). This variant is reported in 0.017% of alleles in individuals of Latino descent in gnomAD. Frameshift variants in GLRA1 are expected to be pathogenic. This variant is interpreted as pathogenic.

Literature cited by the submitters: PubMed 20631190 (cited by Labcorp Genetics (formerly Invitae), Labcorp); PubMed 24108130 (cited by Labcorp Genetics (formerly Invitae), Labcorp).

NM_000171.4(GLRA1):c.634_635del (p.Leu212fs)

Gene: GLRA1 (glycine receptor alpha 1; minus strand). Cytogenetic location: 5q33.1.
Variant type: Microsatellite.
Coding change: c.634_635del on transcript NM_000171.4 (MANE Select); coding-DNA positions 634 to 635, 2 bases deleted (CT; older notation c.634_635delCT).
Protein change: p.Leu212fs; shifts the reading frame from leucine 212.
Molecular consequence: frameshift variant.
Genome position (GRCh38, 1-based): chr5:151,855,102-151,855,103, AG deleted on the plus strand (CT on the coding strand, the reverse complement: GLRA1 is on the minus strand); deleting any 2 consecutive bases within chr5:151,855,102-151,855,105 gives the same sequence; the c. name uses the placement nearest the transcript's 3' end. VCF-style (leftmost placement, unchanged base first): chr5-151855101-CAG-C. GRCh37 (hg19) VCF-style: chr5-151234662-CAG-C.
Other names: c.634_635delCT (NM_000171.3); c.634_635del, p.Leu212fs (NM_001146040.2); c.385_386del, p.Leu129fs (NM_001292000.2); short protein forms L129fs, L212fs.
Identifiers: ClinVar variation 1070761 (VCV001070761.8), dbSNP rs765708068, ClinGen allele CA3523634.